The following is an entry in ClinVar:

NM_003560.4(PLA2G6):c.534G>C (p.Gln178His)

Gene: PLA2G6 (phospholipase A2 group VI; minus strand). Cytogenetic location: 22q13.1.
Variant type: single nucleotide variant.
Coding change: c.534G>C on transcript NM_003560.4 (MANE Select); coding-DNA position 534, G replaced by C.
Protein change: p.Gln178His; replaces glutamine 178 with histidine.
Molecular consequence: missense variant. On other transcripts: 5 prime UTR variant (2).
Genome position (GRCh38, 1-based): chr22:38,143,180, C>G on the plus strand (G>C on the coding strand, the complement: PLA2G6 is on the minus strand). VCF-style: chr22-38143180-C-G. GRCh37 (hg19) VCF-style: chr22-38539187-C-G.
Other names: c.534G>C, p.Gln178His (NM_001004426.3, NM_001199562.3, NM_001349864.2 and 2 more transcripts); c.-1G>C (NM_001349867.2, NM_001349869.2); c.44G>C, p.Arg15Thr (NM_001349868.2); short protein forms Q178H, R15T.
Identifiers: ClinVar variation 2200808 (VCV002200808.2), dbSNP rs1166238427, ClinGen allele CA411531822.
Genomic context (GRCh38, chr22:38,143,180, plus strand): 5'-ATTGTCACCCTGGACAGCATAATGGAAGACGGTCTCTCCCTTGTAGTCGGTGACATCCAT[C>G]TGAGTGTGGCAGTACTGCACCAGCTCCACCAGGATCTCCCCATCACCCTTGCGGCAGGCC-3'
Protein context (NP_003551.2, residues 168-188): LVELVQYCHT[Gln178His]MDVTDYKGET

ClinVar aggregate classification (germline): Uncertain significance (1 of 4 stars; one submission).

Conditions:
Infantile neuroaxonal dystrophy (NBIA2A). Also called: NEURODEGENERATION WITH BRAIN IRON ACCUMULATION 2A; SEITELBERGER DISEASE; Infantile neuroaxonal dystrophy 1. Identifiers: Orphanet 35069, MedGen C0270724, MONDO:0024457, OMIM 256600.

gnomAD v4.1: 4 of 1,614,206 alleles (0.00025%); highest among the groups gnomAD compares: Non-Finnish European, 0.00025%; no homozygotes.

Submission:

Labcorp Genetics (formerly Invitae), Labcorp
Classification: Uncertain significance for Infantile neuroaxonal dystrophy. Last evaluated: 2024-01-22. Review status: criteria provided, single submitter. Criteria: Invitae Variant Classification Sherloc (09022015). Collection method: clinical testing. Allele origin: germline.
Comment: This sequence change replaces glutamine, which is neutral and polar, with histidine, which is basic and polar, at codon 178 of the PLA2G6 protein (p.Gln178His). This variant is not present in population databases (gnomAD no frequency). This variant has not been reported in the literature in individuals affected with PLA2G6-related conditions. ClinVar contains an entry for this variant (Variation ID: 2200808). Advanced modeling of protein sequence and biophysical properties (such as structural, functional, and spatial information, amino acid conservation, physicochemical variation, residue mobility, and thermodynamic stability) performed at Invitae indicates that this missense variant is not expected to disrupt PLA2G6 protein function with a negative predictive value of 80%. In summary, the available evidence is currently insufficient to determine the role of this variant in disease. Therefore, it has been classified as a Variant of Uncertain Significance.